The following is an entry in ClinVar:

NM_017654.4(SAMD9):c.614C>A (p.Thr205Lys)

Gene: SAMD9 (sterile alpha motif domain containing 9; minus strand). Cytogenetic location: 7q21.2.
Variant type: single nucleotide variant.
Coding change: c.614C>A on transcript NM_017654.4 (MANE Select); coding-DNA position 614, C replaced by A.
Protein change: p.Thr205Lys; replaces threonine 205 with lysine.
Molecular consequence: missense variant.
Genome position (GRCh38, 1-based): chr7:93,105,484, G>T on the plus strand (C>A on the coding strand, the complement: SAMD9 is on the minus strand). VCF-style: chr7-93105484-G-T. GRCh37 (hg19) VCF-style: chr7-92734797-G-T.
Other names: c.614C>A, p.Thr205Lys (NM_001193307.2); short protein forms T205K.
Identifiers: ClinVar variation 2501998 (VCV002501998.5), dbSNP rs1442486386, ClinGen allele CA368204474.
Genomic context (GRCh38, chr7:93,105,484, plus strand): 5'-GCTGAAGCAAATCGGAAAACCTCATTGCTAAATTTCATCTTGACATCCTCTTCTGTGGCT[G>T]TTGCTGTATTTGTGAAGGCTTTGAATTCATGTATCGGATCAATGAGATTGCCTGGTCCTG-3'
Protein context (NP_060124.2, residues 195-215): HEFKAFTNTA[Thr205Lys]ATEEDVKMKF

ClinVar aggregate classification (germline): Uncertain significance. Review status: criteria provided, multiple submitters, no conflicts (2 of 4 stars). 3 submissions from 3 submitters: Uncertain significance (3). Last evaluated 2025-09-03.

Conditions:
Inborn genetic diseases. Identifiers: MedGen C0950123, MeSH D030342.

gnomAD v4.1: 4 of 1,614,060 alleles (0.00025%); highest among the groups gnomAD compares: Admixed American, 0.0067%; no homozygotes.

Submissions (3):

Labcorp Genetics (formerly Invitae), Labcorp
Classification: Uncertain significance. Last evaluated: 2025-09-03. Review status: criteria provided, single submitter. Criteria: Invitae Variant Classification Sherloc (09022015). Collection method: clinical testing. Allele origin: germline.
Comment: This sequence change replaces threonine, which is neutral and polar, with lysine, which is basic and polar, at codon 205 of the SAMD9 protein (p.Thr205Lys). This variant is not present in population databases (gnomAD no frequency). This variant has not been reported in the literature in individuals affected with SAMD9-related conditions. ClinVar contains an entry for this variant (Variation ID: 2501998). Invitae Evidence Modeling of protein sequence and biophysical properties (such as structural, functional, and spatial information, amino acid conservation, physicochemical variation, residue mobility, and thermodynamic stability) indicates that this missense variant is not expected to disrupt SAMD9 protein function with a negative predictive value of 95%. In summary, the available evidence is currently insufficient to determine the role of this variant in disease. Therefore, it has been classified as a Variant of Uncertain Significance.

Ambry Genetics
Classification: Uncertain significance for Inborn genetic diseases. Last evaluated: 2024-12-22. Review status: criteria provided, single submitter. Criteria: Ambry Variant Classification Scheme 2023. Collection method: clinical testing. Allele origin: germline.
Comment: The p.T205K variant (also known as c.614C>A), located in coding exon 1 of the SAMD9 gene, results from a C to A substitution at nucleotide position 614. The threonine at codon 205 is replaced by lysine, an amino acid with similar properties. This amino acid position is conserved. In addition, this alteration is predicted to be tolerated by in silico analysis. Based on the available evidence, the clinical significance of this variant remains unclear.

GeneDx
Classification: Uncertain significance. Last evaluated: 2022-11-09. Review status: criteria provided, single submitter. Criteria: GeneDx Variant Classification Process June 2021. Collection method: clinical testing. Allele origin: germline. Affected: yes.
Comment: Not observed at significant frequency in large population cohorts (gnomAD); In silico analysis supports that this missense variant does not alter protein structure/function; Has not been previously published as pathogenic or benign to our knowledge; This variant is associated with the following publications: (PMID: 28545555)